The following is an entry in ClinVar:

ClinVar aggregate classification (germline): Uncertain significance (1 of 4 stars; one submission).

Conditions:
Nephronophthisis 16 (NPHP16). Identifiers: Orphanet 655, MedGen C3809320, MONDO:0014158, OMIM 615382.

Allele frequency attached by ClinVar (database versions not stated): ExAC 0.00001; gnomAD exomes 0.00001.
gnomAD v4.1: 3 of 1,612,968 alleles (0.00019%); highest among the groups gnomAD compares: Admixed American, 0.005%; no homozygotes.

Submission:

Labcorp Genetics (formerly Invitae), Labcorp
Classification: Uncertain significance for Nephronophthisis 16. Last evaluated: 2023-12-21. Review status: criteria provided, single submitter. Criteria: Invitae Variant Classification Sherloc (09022015). Collection method: clinical testing. Allele origin: germline.
Comment: This sequence change replaces aspartic acid, which is acidic and polar, with glycine, which is neutral and non-polar, at codon 774 of the ANKS6 protein (p.Asp774Gly). This variant is present in population databases (rs765975191, gnomAD 0.009%). This variant has not been reported in the literature in individuals affected with ANKS6-related conditions. ClinVar contains an entry for this variant (Variation ID: 1944824). An algorithm developed to predict the effect of missense changes on protein structure and function (PolyPhen-2) suggests that this variant is likely to be disruptive. Algorithms developed to predict the effect of sequence changes on RNA splicing suggest that this variant may disrupt the consensus splice site. In summary, the available evidence is currently insufficient to determine the role of this variant in disease. Therefore, it has been classified as a Variant of Uncertain Significance.

NM_173551.5(ANKS6):c.2321A>G (p.Asp774Gly)

Gene: ANKS6 (ankyrin repeat and sterile alpha motif domain containing 6; minus strand). Cytogenetic location: 9q22.33.
Variant type: single nucleotide variant.
Coding change: c.2321A>G on transcript NM_173551.5 (MANE Select); coding-DNA position 2321, A replaced by G.
Protein change: p.Asp774Gly; replaces aspartic acid 774 with glycine.
Molecular consequence: missense variant.
Genome position (GRCh38, 1-based): chr9:98,756,425, T>C on the plus strand (A>G on the coding strand, the complement: ANKS6 is on the minus strand). VCF-style: chr9-98756425-T-C. GRCh37 (hg19) VCF-style: chr9-101518707-T-C.
Other names: short protein forms D774G.
Identifiers: ClinVar variation 1944824 (VCV001944824.5), dbSNP rs765975191, ClinGen allele CA5153205.